The following is an entry in ClinVar:

ClinVar aggregate classification (germline): Uncertain significance (1 of 4 stars; one submission).

Submission:

GeneDx
Classification: Uncertain significance. Last evaluated: 2024-05-14. Review status: criteria provided, single submitter. Criteria: GeneDx Variant Classification Process June 2021. Collection method: clinical testing. Allele origin: germline. Affected: yes.
Comment: Not observed at significant frequency in large population cohorts (gnomAD); In silico analysis indicates that this missense variant does not alter protein structure/function; Has not been previously published as pathogenic or benign to our knowledge

NM_003922.4(HERC1):c.11104G>A (p.Val3702Ile)

Gene: HERC1 (HECT and RLD domain containing E3 ubiquitin protein ligase family member 1; minus strand). Cytogenetic location: 15q22.31.
Variant type: single nucleotide variant.
Coding change: c.11104G>A on transcript NM_003922.4 (MANE Select); coding-DNA position 11104, G replaced by A.
Protein change: p.Val3702Ile; replaces valine 3702 with isoleucine.
Molecular consequence: missense variant.
Genome position (GRCh38, 1-based): chr15:63,645,072, C>T on the plus strand (G>A on the coding strand, the complement: HERC1 is on the minus strand). VCF-style: chr15-63645072-C-T. GRCh37 (hg19) VCF-style: chr15-63937271-C-T.
Other names: short protein forms V3702I.
Identifiers: ClinVar variation 2443456 (VCV002443456.2), dbSNP rs2551074964, ClinGen allele CA392749961.